The following is an entry in ClinVar:

NM_004863.4(SPTLC2):c.*5395C>G

Gene: SPTLC2 (serine palmitoyltransferase long chain base subunit 2; minus strand). Cytogenetic location: 14q24.3.
Variant type: single nucleotide variant.
Coding change: c.*5395C>G on transcript NM_004863.4 (MANE Select); 5395 bases downstream of the stop codon, C replaced by G.
Molecular consequence: 3 prime UTR variant.
Genome position (GRCh38, 1-based): chr14:77,506,889, G>C on the plus strand (C>G on the coding strand, the complement: SPTLC2 is on the minus strand). VCF-style: chr14-77506889-G-C. GRCh37 (hg19) VCF-style: chr14-77973232-G-C.
Identifiers: ClinVar variation 314576 (VCV000314576.5), dbSNP rs13430, ClinGen allele CA10641121.

ClinVar aggregate classification (germline): Benign (1 of 4 stars; one submission).

Conditions:
Neuropathy, hereditary sensory and autonomic, type 1C. Also called: HSAN IC; HSN IC. Identifiers: Orphanet 36386, MedGen C3150896, MONDO:0013337, OMIM 613640.

Allele frequency attached by ClinVar (database versions not stated): gnomAD 0.01060; 1000 Genomes Project 0.01298; TOPMed 0.01304; 1000 Genomes Project 30x 0.01374.

Submission:

Illumina Laboratory Services, Illumina
Classification: Benign for Neuropathy, hereditary sensory and autonomic, type 1C. Last evaluated: 2018-01-13. Review status: criteria provided, single submitter. Criteria: ICSL Variant Classification Criteria 13 December 2019. Collection method: clinical testing. Allele origin: germline.
Comment: This variant was observed in the ICSL laboratory as part of a predisposition screen in an ostensibly healthy population. It had not been previously curated by ICSL or reported in the Human Gene Mutation Database (HGMD: prior to June 1st, 2018), and was therefore a candidate for classification through an automated scoring system. Utilizing variant allele frequency, disease prevalence and penetrance estimates, and inheritance mode, an automated score was calculated to assess if this variant is too frequent to cause the disease. Based on the score and internal cut-off values, a variant classified as benign is not then subjected to further curation. The score for this variant resulted in a classification of benign for this disease.